The following is an entry in ClinVar:

ClinVar aggregate classification (germline): Pathogenic (1 of 4 stars; one submission).

Conditions:
Brachycephaly. Identifiers: Orphanet 35099, MedGen C0221356, HP:0000248.
Small hand. Also called: Small hands. Identifiers: MedGen C0575802, HP:0200055.
Short foot. Identifiers: MedGen C1848673, HP:0001773.
Mild global developmental delay. Identifiers: MedGen C4012968, HP:0011342.
Large for gestational age. Identifiers: MedGen C1848395, HP:0001520.
Obesity. Also called: Obesity disorder. Identifiers: Orphanet 71529, MedGen C0028754, MeSH D009765, MONDO:0011122, HP:0001513.
Single transverse palmar crease. Identifiers: MedGen C0424731, HP:0000954.

Submission:

Institute of Human Genetics, University of Leipzig Medical Center
Classification: Pathogenic for Brachycephaly; Single transverse palmar crease; Obesity; Large for gestational age; Short foot; Mild global developmental delay; Small hand. Last evaluated: 2021-08-30. Review status: criteria provided, single submitter. Criteria: ACMG/ClinGen CNV Guidelines, 2019. Collection method: clinical testing. Allele origin: unknown. Affected: yes.
Comment: Observed as a probable unbalanced translocation with 8p23.3

GRCh37/hg19 12p13.33-13.31(chr12:146240-8330229)x3

Genes: B4GALNT3 (beta-1,4-N-acetyl-galactosaminyltransferase 3; plus strand), C12orf57 (chromosome 12 open reading frame 57; plus strand), C1R (complement C1r; minus strand), MLF2 (myeloid leukemia factor 2; minus strand), MRPL51 (mitochondrial ribosomal protein L51; minus strand) and 103 more. Cytogenetic location: 12p13.33-13.31.
Variant type: copy number gain.
Change: copy number 3 (three copies instead of two) of chr12:146,240-8,330,229 (8.18 Mb, GRCh37 coordinates, 1-based), cytogenetic band 12p13.33-13.31.
Identifiers: ClinVar variation 1330180 (VCV001330180.1).